The following is an entry in ClinVar:

ClinVar aggregate classification (germline): Pathogenic (1 of 4 stars; one submission).

Conditions:
Mucopolysaccharidosis, MPS-II (MPS2). Also called: Attenuated MPS (subtype; formerly known as mild MPS II); Severe MPS II; I2S deficiency; MPS 2; Hunter Syndrome; IDURONATE 2-SULFATASE DEFICIENCY. Identifiers: Orphanet 580, Orphanet 79388, MedGen C0026705, MONDO:0010674, OMIM 309900.

Submission:

Myriad Genetics, Inc.
Classification: Pathogenic for Mucopolysaccharidosis, MPS-II. Last evaluated: 2023-09-27. Review status: criteria provided, single submitter. Criteria: Myriad Autosomal Dominant, Autosomal Recessive and X-Linked Classification Criteria (2023). Collection method: clinical testing. Allele origin: unknown.
Comment: NM_000202.5(IDS):c.669dupT(G224Wfs*4) is expected to be pathogenic in the context of mucopolysaccharidosis type II. This variant is predicted to lead to an abnormal or absent protein product due to the creation of a premature termination codon in IDS, a gene where loss-of-function variants are known to be pathogenic. Please note: this variant was assessed in the context of healthy population screening.

NM_000202.8(IDS):c.669dup (p.Gly224fs)

Genes: IDS (iduronate 2-sulfatase; minus strand), LOC106050102 (IDS recombination region; plus strand). Cytogenetic location: Xq28.
Variant type: Duplication.
Coding change: c.669dup on transcript NM_000202.8 (MANE Select); coding-DNA position 669, one base duplicated (T; older notation c.669dupT).
Protein change: p.Gly224fs; shifts the reading frame from glycine 224.
Molecular consequence: frameshift variant. On other transcripts: non-coding transcript variant (1).
Genome position (GRCh38, 1-based): chrX:149,498,146, A duplicated on the plus strand (T on the coding strand, the reverse complement: IDS is on the minus strand); the first of 2 consecutive A bases (chrX:149,498,146-149,498,147); duplicating either gives the same sequence. VCF-style (leftmost placement, unchanged base first): chrX-149498145-C-CA. GRCh37 (hg19) VCF-style: chrX-148579676-C-CA.
Other names: c.399dup, p.Gly134fs (NM_001166550.4); c.669dup, p.Gly224fs (NM_006123.5); short protein forms G134fs, G224fs.
Identifiers: ClinVar variation 5011925 (VCV005011925.1).
Genomic context (GRCh38, chrX:149,498,145, plus strand): 5'-CAGCCCTCAACCAGCTCTTCACCTTGGGGTATCTGAAGGGGATGTGTGGCTTATGATACC[C>CA]AACGGCCAGGAAGAAAGGACTGGCTGACGTTTTCATCTTTTCCAACAACTGTATGGCTTG-3'